The following is an entry in ClinVar:

NM_177438.3(DICER1):c.2040+5G>A

Gene: DICER1 (dicer 1, ribonuclease III; minus strand). Cytogenetic location: 14q32.13.
Variant type: single nucleotide variant.
Coding change: c.2040+5G>A on transcript NM_177438.3 (MANE Select); 5 bases into the intron after coding-DNA position 2040, G replaced by A.
Molecular consequence: intron variant.
Genome position (GRCh38, 1-based): chr14:95,113,087, C>T on the plus strand (G>A on the coding strand, the complement: DICER1 is on the minus strand). VCF-style: chr14-95113087-C-T. GRCh37 (hg19) VCF-style: chr14-95579424-C-T.
Other names: c.2040+5G>A (NM_001291628.2, NM_030621.4, NM_001395677.1 and 12 more transcripts); c.1635+5G>A (NM_001395690.1, NM_001395687.1, NM_001395689.1 and 3 more transcripts); c.1758+5G>A (NM_001395686.1); c.1473+5G>A (NM_001395691.1); c.357+5G>A (NM_001395697.1).
Identifiers: ClinVar variation 3501858 (VCV003501858.2).

ClinVar aggregate classification (germline): Conflicting classifications of pathogenicity. Review status: criteria provided, conflicting classifications (1 of 4 stars). 3 submissions from 3 submitters: Likely pathogenic (1); Uncertain significance (2). Last evaluated 2026-01-10.

Conditions:
DICER1-related tumor predisposition. Also called: DICER1-related pleuropulmonary blastoma cancer predisposition syndrome; DICER1 syndrome. Identifiers: Orphanet 284343, MedGen C3839822, MONDO:0100216.
Hereditary cancer-predisposing syndrome. Also called: Hereditary Cancer Syndrome; Hereditary neoplastic syndrome; Neoplastic Syndromes, Hereditary; Tumor predisposition. Identifiers: Orphanet 140162, MedGen C0027672, MeSH D009386, MONDO:0015356.

Submissions (3):

Labcorp Genetics (formerly Invitae), Labcorp
Classification: Uncertain significance for DICER1-related tumor predisposition. Last evaluated: 2026-01-10. Review status: criteria provided, single submitter. Criteria: Invitae Variant Classification Sherloc (09022015). Collection method: clinical testing. Allele origin: germline.
Comment: This sequence change falls in intron 12 of the DICER1 gene. It does not directly change the encoded amino acid sequence of the DICER1 protein. It affects a nucleotide within the consensus splice site. This variant is not present in population databases (gnomAD no frequency). This variant has not been reported in the literature in individuals affected with DICER1-related conditions. ClinVar contains an entry for this variant (Variation ID: 3501858). Variants that disrupt the consensus splice site are a relatively common cause of aberrant splicing (PMID: 17576681, 9536098). Algorithms developed to predict the effect of sequence changes on RNA splicing suggest that this variant may disrupt the consensus splice site. In summary, the available evidence is currently insufficient to determine the role of this variant in disease. Therefore, it has been classified as a Variant of Uncertain Significance.

Institute for Genomic Medicine (IGM) Clinical Laboratory, Nationwide Children's Hospital
Classification: Uncertain significance for DICER1-related tumor predisposition. Last evaluated: 2024-10-03. Review status: criteria provided, single submitter. Criteria: ACMG Guidelines, 2015. Collection method: clinical testing. Allele origin: germline.
Comment: This variant is absent from or present at an exceedingly low frequency in gnomAD, a large-scale control population database (ACMG/AMP: PM2). This variant is predicted to alter protein function or structure, or disrupt splicing by multiple in silico tools (ACMG/AMP: PP3).

Ambry Genetics
Classification: Likely pathogenic for Hereditary cancer-predisposing syndrome. Last evaluated: 2024-09-24. Review status: criteria provided, single submitter. Criteria: Ambry Variant Classification Scheme 2023. Collection method: clinical testing. Allele origin: germline.
Comment: The c.2040+5G>A intronic variant results from a G to A substitution 5 nucleotides after coding exon 11 in the DICER1 gene. This variant has been observed in at least one individual with a personal history that is consistent with DICER1-associated disease (Ambry internal data). This nucleotide position is highly conserved in available vertebrate species. In silico splice site analysis predicts that this alteration will weaken the native splice donor site. RNA studies have demonstrated that this alteration results in abnormal splicing in the set of samples tested (Ambry internal data). Based on the majority of available evidence to date, this variant is likely to be pathogenic.

Literature cited by the submitters: PubMed 17576681 (cited by Labcorp Genetics (formerly Invitae), Labcorp); PubMed 9536098 (cited by Labcorp Genetics (formerly Invitae), Labcorp).